The following is an entry in ClinVar:

ClinVar aggregate classification (germline): Benign/Likely benign. Review status: criteria provided, multiple submitters, no conflicts (2 of 4 stars). 4 submissions from 4 submitters: Benign (1); Likely benign (2). 1 of the submissions does not count toward it. Last evaluated 2025-12-24.

Conditions:
ZIC2-related disorder. Also called: ZIC2-related condition.
Holoprosencephaly 5 (HPE5). Identifiers: Orphanet 2162, MedGen C1864827, MONDO:0012322, OMIM 609637.

Allele frequency attached by ClinVar (database versions not stated): 1000 Genomes Project 30x 0.00281; 1000 Genomes Project 0.00300; gnomAD exomes 0.00018 and 0.00032; ExAC 0.00088; ESP Exome Variant Server 0.00121; TOPMed 0.00245; gnomAD 0.00250 and 0.00264.
gnomAD v4.1: 581 of 1,281,976 alleles (0.045%); highest among the groups gnomAD compares: African/African-American, 0.85%; 5 homozygotes.

Submissions (4):

Labcorp Genetics (formerly Invitae), Labcorp
Classification: Benign for Holoprosencephaly 5. Last evaluated: 2025-12-24. Review status: criteria provided, single submitter. Criteria: Invitae Variant Classification Sherloc (09022015). Collection method: clinical testing. Allele origin: germline.

CeGaT Center for Human Genetics Tuebingen
Classification: Likely benign. Last evaluated: 2025-12-01. Review status: criteria provided, single submitter. Criteria: CeGaT Center For Human Genetics Tuebingen Variant Classification Criteria Version 2. Collection method: clinical testing. Allele origin: germline. Affected: yes. Observed: 1 variant allele.
Comment: ZIC2: BP4, BP7

Breakthrough Genomics
Classification: Likely benign. Review status: criteria provided, single submitter. Criteria: ACMG Guidelines, 2015. Collection method: not provided. Allele origin: germline. Inheritance: Autosomal dominant inheritance. Affected: yes.

PreventionGenetics, part of Exact Sciences
Classification: Benign for ZIC2-related condition. Last evaluated: 2024-07-11. Review status: no assertion criteria provided. Collection method: clinical testing. Allele origin: germline. Not counted in ClinVar's aggregate classification.
Comment: This variant is classified as benign based on ACMG/AMP sequence variant interpretation guidelines (Richards et al. 2015 PMID: 25741868, with internal and published modifications).

NM_007129.5(ZIC2):c.1554G>A (p.Gly518=)

Gene: ZIC2 (Zic family zinc finger 2; plus strand). Cytogenetic location: 13q32.3.
Variant type: single nucleotide variant.
Coding change: c.1554G>A on transcript NM_007129.5 (MANE Select); coding-DNA position 1554, G replaced by A.
Protein change: p.Gly518=; no amino-acid change (glycine 518 retained).
Molecular consequence: synonymous variant.
Genome position (GRCh38, 1-based): chr13:99,985,637, G>A. VCF-style: chr13-99985637-G-A. GRCh37 (hg19) VCF-style: chr13-100637891-G-A.
Identifiers: ClinVar variation 260130 (VCV000260130.17), dbSNP rs199669243, ClinGen allele CA7033015.